The following is an entry in ClinVar:

ClinVar aggregate classification (germline): Uncertain significance (1 of 4 stars; one submission).

Allele frequency attached by ClinVar (database versions not stated): TOPMed below 0.00001; ExAC 0.00001; gnomAD 0.00001.
gnomAD v4.1: 2 of 1,611,124 alleles (0.00012%); highest among the groups gnomAD compares: Non-Finnish European, 0.000085%; no homozygotes.

Submission:

Labcorp Genetics (formerly Invitae), Labcorp
Classification: Uncertain significance. Last evaluated: 2022-03-13. Review status: criteria provided, single submitter. Criteria: Invitae Variant Classification Sherloc (09022015). Collection method: clinical testing. Allele origin: germline.
Comment: This sequence change replaces lysine, which is basic and polar, with arginine, which is basic and polar, at codon 1188 of the RAI1 protein (p.Lys1188Arg). This variant is present in population databases (rs752385090, gnomAD 0.002%). This variant has not been reported in the literature in individuals affected with RAI1-related conditions. Algorithms developed to predict the effect of missense changes on protein structure and function (SIFT, PolyPhen-2, Align-GVGD) all suggest that this variant is likely to be disruptive. In summary, the available evidence is currently insufficient to determine the role of this variant in disease. Therefore, it has been classified as a Variant of Uncertain Significance.

NM_030665.4(RAI1):c.3563A>G (p.Lys1188Arg)

Gene: RAI1 (retinoic acid induced 1; plus strand). Cytogenetic location: 17p11.2.
Variant type: single nucleotide variant.
Coding change: c.3563A>G on transcript NM_030665.4 (MANE Select); coding-DNA position 3563, A replaced by G.
Protein change: p.Lys1188Arg; replaces lysine 1188 with arginine.
Molecular consequence: missense variant.
Genome position (GRCh38, 1-based): chr17:17,796,511, A>G. VCF-style: chr17-17796511-A-G. GRCh37 (hg19) VCF-style: chr17-17699825-A-G.
Other names: short protein forms K1188R.
Identifiers: ClinVar variation 2111252 (VCV002111252.4), dbSNP rs752385090, ClinGen allele CA8418754.
Genomic context (GRCh38, chr17:17,796,511, plus strand): 5'-TCCCCAACTGCCGTGCCACCAAGAAGCTCCTCGACAACAGCCACTTGCCCGCCACATTCA[A>G]GGTCTCCAGCAGCCCCCAGAAGGAGGGCAGGGTGAGCCAGCGGGCAAGGGTCCCCAAACC-3'
Protein context (NP_109590.3, residues 1178-1198): LDNSHLPATF[Lys1188Arg]VSSSPQKEGR